The following is an entry in ClinVar:

ClinVar aggregate classification (germline): Likely pathogenic (1 of 4 stars; one submission).

Conditions:
Nemaline myopathy 2 (NEM2). Also called: Nemaline myopathy 2, autosomal recessive. Identifiers: MedGen C1850569, MONDO:0009725, OMIM 256030.

Submission:

Natera, Inc.
Classification: Likely pathogenic for Nemaline myopathy type 2. Last evaluated: 2024-05-14. Review status: criteria provided, single submitter. Criteria: Natera Variant Classification Schema (03/2026). Collection method: clinical testing. Allele origin: germline.
Comment: The c.12124C>T variant in NEB is a nonsense variant predicted to introduce a stop codon at amino acid 4042. This variant is expected to result in nonsense mediated decay, truncation, or a dysfunctional protein product. This variant is rare in the general population with a frequency below the threshold expected for the associated phenotype(s). Given the available evidence, this variant is classified as Likely Pathogenic.

NM_001164508.2(NEB):c.12124C>T (p.Gln4042Ter)

Gene: NEB (nebulin; minus strand). Cytogenetic location: 2q23.3.
Variant type: single nucleotide variant.
Coding change: c.12124C>T on transcript NM_001164508.2 (MANE Select); coding-DNA position 12124, C replaced by T.
Protein change: p.Gln4042Ter; replaces glutamine 4042 with a stop codon.
Molecular consequence: nonsense.
Genome position (GRCh38, 1-based): chr2:151,610,015, G>A on the plus strand (C>T on the coding strand, the complement: NEB is on the minus strand). VCF-style: chr2-151610015-G-A. GRCh37 (hg19) VCF-style: chr2-152466529-G-A.
Other names: c.12124C>T, p.Gln4042Ter (NM_001164507.2, NM_001271208.2); c.11395C>T, p.Gln3799Ter (NM_004543.5); short protein forms Q3799*, Q4042*.
Identifiers: ClinVar variation 4814709 (VCV004814709.1).